The following is an entry in ClinVar:

NM_001004334.4(GPR179):c.5119T>C (p.Trp1707Arg)

Gene: GPR179 (G protein-coupled receptor 179; minus strand). Cytogenetic location: 17q12.
Variant type: single nucleotide variant.
Coding change: c.5119T>C on transcript NM_001004334.4 (MANE Select); coding-DNA position 5119, T replaced by C.
Protein change: p.Trp1707Arg; replaces tryptophan 1707 with arginine.
Molecular consequence: missense variant.
Genome position (GRCh38, 1-based): chr17:38,328,450, A>G on the plus strand (T>C on the coding strand, the complement: GPR179 is on the minus strand). VCF-style: chr17-38328450-A-G. GRCh37 (hg19) VCF-style: chr17-36484333-A-G.
Other names: short protein forms W1707R.
Identifiers: ClinVar variation 322980 (VCV000322980.14), dbSNP rs769294419, ClinGen allele CA10645552.

ClinVar aggregate classification (germline): Uncertain significance. Review status: criteria provided, multiple submitters, no conflicts (2 of 4 stars). 3 submissions from 3 submitters: Uncertain significance (3). Last evaluated 2024-12-09.

Conditions:
Inborn genetic diseases. Identifiers: MedGen C0950123, MeSH D030342.
Congenital stationary night blindness 1E. Also called: Night blindness, congenital stationary (complete), 1E, autosomal recessive. Identifiers: Orphanet 215, MedGen C3281215, MONDO:0013807, OMIM 614565.

Allele frequency attached by ClinVar (database versions not stated): TOPMed 0.00002.
gnomAD v4.1: 3 of 1,614,062 alleles (0.00019%); highest among the groups gnomAD compares: Admixed American, 0.0033%; no homozygotes.

Submissions (3):

Ambry Genetics
Classification: Uncertain significance for Inborn genetic diseases. Last evaluated: 2024-12-09. Review status: criteria provided, single submitter. Criteria: Ambry Variant Classification Scheme 2023. Collection method: clinical testing. Allele origin: germline.

Labcorp Genetics (formerly Invitae), Labcorp
Classification: Uncertain significance. Last evaluated: 2023-12-11. Review status: criteria provided, single submitter. Criteria: Invitae Variant Classification Sherloc (09022015). Collection method: clinical testing. Allele origin: germline.
Comment: This sequence change replaces tryptophan, which is neutral and slightly polar, with arginine, which is basic and polar, at codon 1707 of the GPR179 protein (p.Trp1707Arg). This variant is not present in population databases (gnomAD no frequency). This variant has not been reported in the literature in individuals affected with GPR179-related conditions. ClinVar contains an entry for this variant (Variation ID: 322980). An algorithm developed to predict the effect of missense changes on protein structure and function (PolyPhen-2) suggests that this variant is likely to be disruptive. In summary, the available evidence is currently insufficient to determine the role of this variant in disease. Therefore, it has been classified as a Variant of Uncertain Significance.

Illumina Laboratory Services, Illumina
Classification: Uncertain significance for Congenital stationary night blindness 1E. Last evaluated: 2018-01-13. Review status: criteria provided, single submitter. Criteria: ICSL Variant Classification Criteria 13 December 2019. Collection method: clinical testing. Allele origin: germline.